The following is an entry in ClinVar:

ClinVar aggregate classification (germline): Uncertain significance. Review status: criteria provided, multiple submitters, no conflicts (2 of 4 stars). 2 submissions from 2 submitters: Uncertain significance (2). Last evaluated 2025-01-16.

Conditions:
Deafness-lymphedema-leukemia syndrome. Also called: Lymphedema, primary, with myelodysplasia; Emberger syndrome. Identifiers: Orphanet 3226, MedGen C3279664, MONDO:0013540, OMIM 614038.
Monocytopenia with susceptibility to infections. Also called: MONOCYTOPENIA AND MYCOBACTERIAL INFECTION SYNDROME; MONOCYTOPENIA WITH SUSCEPTIBILITY TO MYCOBACTERIAL, FUNGAL, AND PAPILLOMAVIRUS INFECTIONS AND MYELODYSPLASIA; COMBINED IMMUNODEFICIENCY WITH SUSCEPTIBILITY TO MYCOBACTERIAL, VIRAL, AND FUNGAL INFECTIONS; Dendritic cell, monocyte, B lymphocyte, and natural killer lymphocyte deficiency; IMMUNODEFICIENCY 21; GATA2 DEFICIENCY. Identifiers: Orphanet 228423, MedGen C3280030, MONDO:0013607, OMIM 614172.
Inborn genetic diseases. Identifiers: MedGen C0950123, MeSH D030342.

Allele frequency attached by ClinVar (database versions not stated): gnomAD exomes below 0.00001.
gnomAD v4.1: 1 of 1,613,130 alleles (0.000062%); highest among the groups gnomAD compares: Non-Finnish European, 0.000085%; no homozygotes.

Submissions (2):

Ambry Genetics
Classification: Uncertain significance for Inborn genetic diseases. Last evaluated: 2025-01-16. Review status: criteria provided, single submitter. Criteria: Ambry Variant Classification Scheme 2023. Collection method: clinical testing. Allele origin: germline.
Comment: The p.V181M variant (also known as c.541G>A), located in coding exon 2 of the GATA2 gene, results from a G to A substitution at nucleotide position 541. The valine at codon 181 is replaced by methionine, an amino acid with highly similar properties. This amino acid position is highly conserved in available vertebrate species. In addition, the in silico prediction for this alteration is inconclusive. Based on the available evidence, the clinical significance of this variant remains unclear.

Labcorp Genetics (formerly Invitae), Labcorp
Classification: Uncertain significance for Monocytopenia with susceptibility to infections; Deafness-lymphedema-leukemia syndrome. Last evaluated: 2023-06-07. Review status: criteria provided, single submitter. Criteria: Invitae Variant Classification Sherloc (09022015). Collection method: clinical testing. Allele origin: germline.
Comment: Advanced modeling of protein sequence and biophysical properties (such as structural, functional, and spatial information, amino acid conservation, physicochemical variation, residue mobility, and thermodynamic stability) has been performed at Invitae for this missense variant, however the output from this modeling did not meet the statistical confidence thresholds required to predict the impact of this variant on GATA2 protein function. ClinVar contains an entry for this variant (Variation ID: 404090). This variant has not been reported in the literature in individuals affected with GATA2-related conditions. This variant is not present in population databases (gnomAD no frequency). This sequence change replaces valine, which is neutral and non-polar, with methionine, which is neutral and non-polar, at codon 181 of the GATA2 protein (p.Val181Met). In summary, the available evidence is currently insufficient to determine the role of this variant in disease. Therefore, it has been classified as a Variant of Uncertain Significance.

NM_032638.5(GATA2):c.541G>A (p.Val181Met)

Gene: GATA2 (GATA binding protein 2; minus strand). Cytogenetic location: 3q21.3.
Variant type: single nucleotide variant.
Coding change: c.541G>A on transcript NM_032638.5 (MANE Select); coding-DNA position 541, G replaced by A.
Protein change: p.Val181Met; replaces valine 181 with methionine.
Molecular consequence: missense variant.
Genome position (GRCh38, 1-based): chr3:128,486,057, C>T on the plus strand (G>A on the coding strand, the complement: GATA2 is on the minus strand). VCF-style: chr3-128486057-C-T. GRCh37 (hg19) VCF-style: chr3-128204900-C-T.
Other names: c.541G>A, p.Val181Met (NM_001145661.2, NM_001145662.1); short protein forms V181M.
Identifiers: ClinVar variation 404090 (VCV000404090.11), dbSNP rs1060500093, ClinGen allele CA16611252.